The following is an entry in ClinVar:

NM_000642.3(AGL):c.3283A>C (p.Ile1095Leu)

Gene: AGL (amylo-alpha-1,6-glucosidase and 4-alpha-glucanotransferase; plus strand). Cytogenetic location: 1p21.2.
Variant type: single nucleotide variant.
Coding change: c.3283A>C on transcript NM_000642.3 (MANE Select); coding-DNA position 3283, A replaced by C.
Protein change: p.Ile1095Leu; replaces isoleucine 1095 with leucine.
Molecular consequence: missense variant.
Genome position (GRCh38, 1-based): chr1:99,896,309, A>C. VCF-style: chr1-99896309-A-C. GRCh37 (hg19) VCF-style: chr1-100361865-A-C.
Other names: c.3283A>C, p.Ile1095Leu (NM_000028.3, NM_000643.3, NM_000644.3 and 1 more transcripts); c.3235A>C, p.Ile1079Leu (NM_000646.3); c.3262A>C, p.Ile1088Leu (NM_001425326.1); c.3082A>C, p.Ile1028Leu (NM_001425327.1); c.3079A>C, p.Ile1027Leu (NM_001425328.1); c.2944A>C, p.Ile982Leu (NM_001425329.1); c.2905A>C, p.Ile969Leu (NM_001425332.1); short protein forms I1095L, I1079L, I1027L, I1028L, I1088L, I969L, I982L.
Identifiers: ClinVar variation 580006 (VCV000580006.6), dbSNP rs762157090, ClinGen allele CA967041.

ClinVar aggregate classification (germline): Uncertain significance (1 of 4 stars; one submission).

Conditions:
Glycogen storage disease type III (GSD3). Also called: Cori disease; FORBES DISEASE. Identifiers: Orphanet 366, MedGen C0017922, MONDO:0009291, OMIM 232400.

Allele frequency attached by ClinVar (database versions not stated): ExAC 0.00001.
gnomAD v4.1: 9 of 1,613,772 alleles (0.00056%); highest among the groups gnomAD compares: Non-Finnish European, 0.00076%; no homozygotes.

Submission:

Labcorp Genetics (formerly Invitae), Labcorp
Classification: Uncertain significance for Glycogen storage disease type III. Last evaluated: 2022-05-25. Review status: criteria provided, single submitter. Criteria: Invitae Variant Classification Sherloc (09022015). Collection method: clinical testing. Allele origin: germline.
Comment: This sequence change replaces isoleucine, which is neutral and non-polar, with leucine, which is neutral and non-polar, at codon 1095 of the AGL protein (p.Ile1095Leu). This variant is present in population databases (rs762157090, gnomAD 0.002%). This variant has not been reported in the literature in individuals affected with AGL-related conditions. ClinVar contains an entry for this variant (Variation ID: 580006). Algorithms developed to predict the effect of missense changes on protein structure and function output the following: SIFT: "Tolerated"; PolyPhen-2: "Benign"; Align-GVGD: "Class C0". The leucine amino acid residue is found in multiple mammalian species, which suggests that this missense change does not adversely affect protein function. In summary, the available evidence is currently insufficient to determine the role of this variant in disease. Therefore, it has been classified as a Variant of Uncertain Significance.